The following is an entry in ClinVar:

NM_000132.4(F8):c.296T>C (p.Val99Ala)

Gene: F8 (coagulation factor VIII; minus strand). Cytogenetic location: Xq28.
Variant type: single nucleotide variant.
Coding change: c.296T>C on transcript NM_000132.4 (MANE Select); coding-DNA position 296, T replaced by C.
Protein change: p.Val99Ala; replaces valine 99 with alanine.
Molecular consequence: missense variant.
Genome position (GRCh38, 1-based): chrX:154,997,065, A>G on the plus strand (T>C on the coding strand, the complement: F8 is on the minus strand). VCF-style: chrX-154997065-A-G. GRCh37 (hg19) VCF-style: chrX-154225340-A-G.
Other names: short protein forms V99A.
Identifiers: ClinVar variation 993612 (VCV000993612.8), dbSNP rs137852382, ClinGen allele CA414920067.

ClinVar aggregate classification (germline): Pathogenic (1 of 4 stars; one submission).

Conditions:
Hereditary factor VIII deficiency disease (HEMA). Also called: AUTOSOMAL HEMOPHILIA A; Hemophilia A, congenital; HEM A; Factor 8 deficiency, congenital; HEMOPHILIA, CLASSIC; Hemophilia A. Identifiers: Orphanet 98878, MedGen C0019069, MONDO:0010602, OMIM 306700.

Submission:

ARUP Laboratories, Molecular Genetics and Genomics, ARUP Laboratories
Classification: Pathogenic for Hereditary factor VIII deficiency disease. Last evaluated: 2019-08-06. Review status: criteria provided, single submitter. Criteria: ARUP Molecular Germline Variant Investigation Process. Collection method: clinical testing. Allele origin: germline.
Comment: The F8 c.296T>C; p.Val99Ala variant (rs137852382) is reported in the literature in multiple individuals affected with mild to moderate hemophilia A, including those with F8 activity measured between 5% and 14% of normal (Miller 2012, Factor VIII database and references therein). This variant is absent from general population databases (Exome Variant Server, Genome Aggregation Database), indicating it is not a common polymorphism. The valine at codon 99 is highly conserved, and other amino acid substitutions at this codon (p.Val99Asp, p.Val99Phe) have been reported in individuals with hemophilia A and are considered disease-causing (Ravanbod 2012, Factor VIII database and references therein). Based on available information, the p.Val99Ala variant is considered to be pathogenic. References: Factor VIII database: Miller CH et al. F8 and F9 mutations in US haemophilia patients: correlation with history of inhibitor and race/ethnicity. Haemophilia. 2012 May;18(3):375-82. Ravanbod S et al. Identification of 123 previously unreported mutations in the F8 gene of Iranian patients with haemophilia A. Haemophilia. 2012 May;18(3):e340-6.